The following is an entry in ClinVar:

NM_000238.4(KCNH2):c.2145+3G>A

Gene: KCNH2 (potassium voltage-gated channel subfamily H member 2; minus strand). Cytogenetic location: 7q36.1.
Variant type: single nucleotide variant.
Coding change: c.2145+3G>A on transcript NM_000238.4 (MANE Select); 3 bases into the intron after coding-DNA position 2145, G replaced by A.
Molecular consequence: intron variant.
Genome position (GRCh38, 1-based): chr7:150,950,918, C>T on the plus strand (G>A on the coding strand, the complement: KCNH2 is on the minus strand). VCF-style: chr7-150950918-C-T. GRCh37 (hg19) VCF-style: chr7-150648006-C-T.
Other names: c.1857+3G>A (NM_001406753.1, NM_001406756.1); c.1125+3G>A (NM_172057.3, NM_001204798.2); c.2145+3G>A (NM_172056.3); c.1968+3G>A (NM_001406755.1); c.1845+3G>A (NM_001406757.1).
Identifiers: ClinVar variation 519344 (VCV000519344.7), dbSNP rs1378166842, ClinGen allele CA579075424.

ClinVar aggregate classification (germline): Uncertain significance (1 of 4 stars; one submission).

Conditions:
Cardiovascular phenotype. Identifiers: MedGen CN230736.

Allele frequency attached by ClinVar (database versions not stated): gnomAD exomes below 0.00001.
gnomAD v4.1: 1 of 1,614,032 alleles (0.000062%); highest among the groups gnomAD compares: Non-Finnish European, 0.000085%; no homozygotes.

Submission:

Ambry Genetics
Classification: Uncertain significance for Cardiovascular phenotype. Last evaluated: 2016-10-27. Review status: criteria provided, single submitter. Criteria: Ambry Variant Classification Scheme 2023. Collection method: clinical testing. Allele origin: germline.
Comment: The c.2145+3G>A intronic variant results from a G to A substitution 3 nucleotides after coding exon 8 in the KCNH2 gene. This variant was not reported in population based cohorts in the following databases: ExAC, Database of Single Nucleotide Polymorphisms (dbSNP), NHLBI Exome Sequencing Project (ESP), and 1000 Genomes Project. In the ESP, this variant was not observed in 6503 samples (13006 alleles) with coverage at this position. This nucleotide position is well conserved in available vertebrate species. Using the BDGP and ESEfinder splice site prediction tools, this alteration does not have any significant effect on the native splice donor site; however, direct evidence is unavailable. Since supporting evidence is limited at this time, the clinical significance of this variant remains unclear.